The following is an entry in ClinVar:

NM_001079675.5(ETV4):c.16A>T (p.Lys6Ter)

Gene: ETV4 (ETS variant transcription factor 4; minus strand). Cytogenetic location: 17q21.31.
Variant type: single nucleotide variant.
Coding change: c.16A>T on transcript NM_001079675.5 (MANE Select); coding-DNA position 16, A replaced by T.
Protein change: p.Lys6Ter; replaces lysine 6 with a stop codon.
Molecular consequence: nonsense. On other transcripts: intron variant (2).
Genome position (GRCh38, 1-based): chr17:43,545,602, T>A on the plus strand (A>T on the coding strand, the complement: ETV4 is on the minus strand). VCF-style: chr17-43545602-T-A. GRCh37 (hg19) VCF-style: chr17-41622970-T-A.
Other names: c.16A>T, p.Lys6Ter (NM_001369366.2, NM_001369367.2, NM_001369368.2 and 1 more transcripts); c.-57-235A>T (NM_001261437.3, NM_001261438.3); short protein forms K6*.
Identifiers: ClinVar variation 3046344 (VCV003046344.2), dbSNP rs75202146, ClinGen allele CA8592501.

ClinVar aggregate classification (germline): Likely benign (0 of 4 stars; one submission).

Conditions:
ETV4-related disorder. Also called: ETV4-related condition.

Allele frequency attached by ClinVar (database versions not stated): gnomAD exomes 0.00014; ExAC 0.00066; 1000 Genomes Project 30x 0.00109; 1000 Genomes Project 0.00120; gnomAD 0.00127; TOPMed 0.00159.

Submission:

PreventionGenetics, part of Exact Sciences
Classification: Likely benign for ETV4-related condition. Last evaluated: 2022-02-01. Review status: no assertion criteria provided. Collection method: clinical testing. Allele origin: germline.
Comment: This variant is classified as likely benign based on ACMG/AMP sequence variant interpretation guidelines (Richards et al. 2015 PMID: 25741868, with internal and published modifications).